The following is an entry in ClinVar:

ClinVar aggregate classification (germline): Uncertain significance (1 of 4 stars; one submission).

Submission:

GeneDx
Classification: Uncertain significance. Last evaluated: 2023-12-09. Review status: criteria provided, single submitter. Criteria: GeneDx Variant Classification Process June 2021. Collection method: clinical testing. Allele origin: germline. Affected: yes.
Comment: Not observed at significant frequency in large population cohorts (gnomAD); In silico analysis supports that this missense variant does not alter protein structure/function; Has not been previously published as pathogenic or benign to our knowledge

NM_001378452.1(ITPR1):c.5500C>G (p.Leu1834Val)

Gene: ITPR1 (inositol 1,4,5-trisphosphate receptor type 1; plus strand). Cytogenetic location: 3p26.1.
Variant type: single nucleotide variant.
Coding change: c.5500C>G on transcript NM_001378452.1 (MANE Select); coding-DNA position 5500, C replaced by G.
Protein change: p.Leu1834Val; replaces leucine 1834 with valine.
Molecular consequence: missense variant.
Genome position (GRCh38, 1-based): chr3:4,735,310, C>G. VCF-style: chr3-4735310-C-G. GRCh37 (hg19) VCF-style: chr3-4776994-C-G.
Other names: c.5356C>G, p.Leu1786Val (NM_001099952.4); c.5455C>G, p.Leu1819Val (NM_001168272.2); c.5311C>G, p.Leu1771Val (NM_002222.7); short protein forms L1771V, L1786V, L1819V, L1834V.
Identifiers: ClinVar variation 3365461 (VCV003365461.1).